The following is an entry in ClinVar:

NM_001161352.2(KCNMA1):c.155C>T (p.Ser52Phe)

Gene: KCNMA1 (potassium calcium-activated channel subfamily M alpha 1; minus strand). Cytogenetic location: 10q22.3.
Variant type: single nucleotide variant.
Coding change: c.155C>T on transcript NM_001161352.2 (MANE Select); coding-DNA position 155, C replaced by T.
Protein change: p.Ser52Phe; replaces serine 52 with phenylalanine.
Molecular consequence: missense variant.
Genome position (GRCh38, 1-based): chr10:77,637,488, G>A on the plus strand (C>T on the coding strand, the complement: KCNMA1 is on the minus strand). VCF-style: chr10-77637488-G-A. GRCh37 (hg19) VCF-style: chr10-79397246-G-A.
Other names: c.155C>T, p.Ser52Phe (NM_001271518.2, NM_001271519.2, NM_001271520.2 and 12 more transcripts); short protein forms S52F.
Identifiers: ClinVar variation 1387405 (VCV001387405.6), dbSNP rs1483499989, ClinGen allele CA377412658.

ClinVar aggregate classification (germline): Uncertain significance (1 of 4 stars; one submission).

Conditions:
Generalized epilepsy-paroxysmal dyskinesia syndrome (PNKD3). Also called: Paroxysmal nonkinesigenic dyskinesia, 3, with or without generalized epilepsy; Generalized epilepsy and paroxysmal dyskinesia. Identifiers: Orphanet 79137, MedGen C5574945, MONDO:0012276, OMIM 609446.

Allele frequency attached by ClinVar (database versions not stated): gnomAD exomes below 0.00001; TOPMed 0.00001.
gnomAD v4.1: 1 of 1,588,790 alleles (0.000063%); highest among the groups gnomAD compares: Non-Finnish European, 0.000086%; no homozygotes.

Submission:

Labcorp Genetics (formerly Invitae), Labcorp
Classification: Uncertain significance for Generalized epilepsy-paroxysmal dyskinesia syndrome. Last evaluated: 2021-09-04. Review status: criteria provided, single submitter. Criteria: Invitae Variant Classification Sherloc (09022015). Collection method: clinical testing. Allele origin: germline.
Comment: This sequence change replaces serine with phenylalanine at codon 52 of the KCNMA1 protein (p.Ser52Phe). The serine residue is weakly conserved and there is a large physicochemical difference between serine and phenylalanine. This variant is not present in population databases (ExAC no frequency). This variant has not been reported in the literature in individuals affected with KCNMA1-related conditions. Algorithms developed to predict the effect of missense changes on protein structure and function are either unavailable or do not agree on the potential impact of this missense change (SIFT: "Deleterious"; PolyPhen-2: "Possibly Damaging"; Align-GVGD: "Class C0"). In summary, the available evidence is currently insufficient to determine the role of this variant in disease. Therefore, it has been classified as a Variant of Uncertain Significance.